The following is an entry in ClinVar:

NM_006017.3(PROM1):c.1927G>T (p.Ala643Ser)

Gene: PROM1 (prominin 1; minus strand). Cytogenetic location: 4p15.32.
Variant type: single nucleotide variant.
Coding change: c.1927G>T on transcript NM_006017.3 (MANE Select); coding-DNA position 1927, G replaced by T.
Protein change: p.Ala643Ser; replaces alanine 643 with serine.
Molecular consequence: missense variant.
Genome position (GRCh38, 1-based): chr4:15,991,278, C>A on the plus strand (G>T on the coding strand, the complement: PROM1 is on the minus strand). VCF-style: chr4-15991278-C-A. GRCh37 (hg19) VCF-style: chr4-15992901-C-A.
Other names: c.1900G>T, p.Ala634Ser (NM_001145847.2, NM_001145848.2, NM_001145851.2 and 4 more transcripts); c.1927G>T, p.Ala643Ser (NM_001145849.2, NM_001145850.2); short protein forms A634S, A643S.
Identifiers: ClinVar variation 1045911 (VCV001045911.7), dbSNP rs748475864, ClinGen allele CA2866583.

ClinVar aggregate classification (germline): Uncertain significance. Review status: criteria provided, multiple submitters, no conflicts (2 of 4 stars). 2 submissions from 2 submitters: Uncertain significance (2). Last evaluated 2025-02-15.

Allele frequency attached by ClinVar (database versions not stated): TOPMed 0.00001.
gnomAD v4.1: 8 of 1,602,840 alleles (0.0005%); highest among the groups gnomAD compares: Admixed American, 0.012%; no homozygotes.

Submissions (2):

Labcorp Genetics (formerly Invitae), Labcorp
Classification: Uncertain significance. Last evaluated: 2025-02-15. Review status: criteria provided, single submitter. Criteria: Invitae Variant Classification Sherloc (09022015). Collection method: clinical testing. Allele origin: germline.
Comment: This sequence change replaces alanine, which is neutral and non-polar, with serine, which is neutral and polar, at codon 643 of the PROM1 protein (p.Ala643Ser). This variant is present in population databases (rs748475864, gnomAD 0.02%). This variant has not been reported in the literature in individuals affected with PROM1-related conditions. ClinVar contains an entry for this variant (Variation ID: 1045911). Invitae Evidence Modeling of protein sequence and biophysical properties (such as structural, functional, and spatial information, amino acid conservation, physicochemical variation, residue mobility, and thermodynamic stability) indicates that this missense variant is not expected to disrupt PROM1 protein function with a negative predictive value of 80%. In summary, the available evidence is currently insufficient to determine the role of this variant in disease. Therefore, it has been classified as a Variant of Uncertain Significance.

Blueprint Genetics
Classification: Uncertain significance. Last evaluated: 2019-01-17. Review status: criteria provided, single submitter. Criteria: ACMG Guidelines, 2015. Collection method: clinical testing. Allele origin: germline.